The following is an entry in ClinVar:

NM_002317.7(LOX):c.918G>A (p.Leu306=)

Genes: LOX (lysyl oxidase; minus strand), SRFBP1 (serum response factor binding protein 1; plus strand). Cytogenetic location: 5q23.1.
Variant type: single nucleotide variant.
Coding change: c.918G>A on transcript NM_002317.7 (MANE Select); coding-DNA position 918, G replaced by A.
Protein change: p.Leu306=; no amino-acid change (leucine 306 retained).
Molecular consequence: synonymous variant.
Genome position (GRCh38, 1-based): chr5:122,074,130, C>T on the plus strand (G>A on the coding strand, the complement: LOX is on the minus strand). VCF-style: chr5-122074130-C-T. GRCh37 (hg19) VCF-style: chr5-121409825-C-T.
Other names: c.228G>A, p.Leu76= (NM_001178102.2); c.27G>A, p.Leu9= (NM_001317073.1).
Identifiers: ClinVar variation 496155 (VCV000496155.13), dbSNP rs201494622, ClinGen allele CA3383898.

ClinVar aggregate classification (germline): Benign/Likely benign. Review status: criteria provided, multiple submitters, no conflicts (2 of 4 stars). 6 submissions from 6 submitters: Benign (2); Likely benign (3). 1 of the submissions does not count toward it. Last evaluated 2026-03-27.

Conditions:
LOX-related disorder. Also called: LOX-related disorders; LOX-related condition.
Cardiovascular phenotype. Identifiers: MedGen CN230736.

Allele frequency attached by ClinVar (database versions not stated): TOPMed 0.00002; 1000 Genomes Project 0.00060; gnomAD exomes 0.00054; 1000 Genomes Project 30x 0.00062; ExAC 0.00065.
gnomAD v4.1: 375 of 1,614,110 alleles (0.023%); highest among the groups gnomAD compares: South Asian, 0.4%; 2 homozygotes.

Submissions (6):

Molecular Diagnostic Laboratory for Inherited Cardiovascular Disease, Montreal Heart Institute
Classification: Likely benign. Last evaluated: 2026-03-27. Review status: criteria provided, single submitter. Criteria: ACMG Guidelines, 2015. Collection method: clinical testing. Allele origin: germline. Affected: no.
Comment: BS1;BP7

Labcorp Genetics (formerly Invitae), Labcorp
Classification: Benign. Last evaluated: 2025-12-16. Review status: criteria provided, single submitter. Criteria: Invitae Variant Classification Sherloc (09022015). Collection method: clinical testing. Allele origin: germline.

GeneDx
Classification: Likely benign. Last evaluated: 2020-10-12. Review status: criteria provided, single submitter. Criteria: GeneDx Variant Classification Process June 2021. Collection method: clinical testing. Allele origin: germline. Affected: yes.

Ambry Genetics
Classification: Likely benign for Cardiovascular phenotype. Last evaluated: 2019-09-09. Review status: criteria provided, single submitter. Criteria: Ambry Variant Classification Scheme 2023. Collection method: clinical testing. Allele origin: germline.

Women's Health and Genetics/Laboratory Corporation of America, LabCorp
Classification: Benign. Last evaluated: 2017-07-14. Review status: criteria provided, single submitter. Criteria: LabCorp Variant Classification Summary - May 2015. Collection method: clinical testing. Allele origin: germline.
Comment: Variant summary: The LOX c.918G>A (p.Leu306Leu) variant involves the alteration of a non-conserved nucleotide, resulting in a synonymous change. Mutation taster predicts a damaging outcome for this variant. 5/5 splice prediction tools predict no significant impact on normal splicing. ESE finder predicts that this variant creates a new binding site for SRp40. However, these predictions have yet to be confirmed by functional studies. This variant was found in 79/121380 control chromosomes (1 homozygote) from ExAC at a frequency of 0.0006508, which is approximately 39 times the estimated maximal expected allele frequency of a pathogenic LOX variant (0.0000167), suggesting this variant is likely a benign polymorphism. Taken together, this variant is classified as benign.

PreventionGenetics, part of Exact Sciences
Classification: Benign for LOX-related condition. Last evaluated: 2019-10-28. Review status: no assertion criteria provided. Collection method: clinical testing. Allele origin: germline. Not counted in ClinVar's aggregate classification.
Comment: This variant is classified as benign based on ACMG/AMP sequence variant interpretation guidelines (Richards et al. 2015 PMID: 25741868, with internal and published modifications).